The following is an entry in ClinVar:

NM_201384.3(PLEC):c.3236_3237delinsTA (p.Ser1079Ile)

Gene: PLEC (plectin; minus strand). Cytogenetic location: 8q24.3.
Variant type: Indel.
Coding change: c.3236_3237delinsTA on transcript NM_201384.3 (MANE Select); coding-DNA positions 3236 to 3237, GC replaced by TA.
Protein change: p.Ser1079Ile; replaces serine 1079 with isoleucine.
Molecular consequence: missense variant.
Genome position (GRCh38, 1-based): chr8:143,929,126-143,929,127, GC replaced by TA on the plus strand (GC replaced by TA on the coding strand, the reverse complement: PLEC is on the minus strand). VCF-style: chr8-143929126-GC-TA. GRCh37 (hg19) VCF-style: chr8-145003294-GC-TA.
Other names: c.3647_3648delinsTA, p.Ser1216Ile (NM_201380.4); c.3140_3141delinsTA, p.Ser1047Ile (NM_201381.3); c.3236_3237delinsTA, p.Ser1079Ile (NM_201382.4); c.3248_3249delinsTA, p.Ser1083Ile (NM_201383.3); c.3317_3318delinsTA, p.Ser1106Ile (NM_000445.5, NM_001410941.1); c.3194_3195delinsTA, p.Ser1065Ile (NM_201378.4); c.3170_3171delinsTA, p.Ser1057Ile (NM_201379.3); short protein forms S1047I, S1057I, S1079I, S1083I, S1106I, S1216I, S1065I.
Identifiers: ClinVar variation 2929403 (VCV002929403.3), dbSNP rs2538437973, ClinGen allele CA2740095396.

ClinVar aggregate classification (germline): Uncertain significance (1 of 4 stars; one submission).

Conditions:
Epidermolysis bullosa simplex with nail dystrophy (EBS5D). Identifiers: MedGen C4225309, MONDO:0014661, OMIM 616487.
Epidermolysis bullosa simplex 5B, with muscular dystrophy (EBS5B). Also called: EPIDERMOLYSIS BULLOSA SIMPLEX AND LIMB-GIRDLE MUSCULAR DYSTROPHY; Epidermolysis bullosa simplex with muscular dystrophy. Identifiers: Orphanet 257, MedGen C2931072, MONDO:0009181, OMIM 226670.
Epidermolysis bullosa simplex 5C, with pyloric atresia (EBS5C). Also called: PLEC-Related Epidermolysis Bullosa with Pyloric Atresia; Epidermolysis bullosa simplex with pyloric atresia; PLEC1-Related Epidermolysis Bullosa with Pyloric Atresia. Identifiers: Orphanet 158684, MedGen C2677349, MONDO:0012807, OMIM 612138.
Autosomal recessive limb-girdle muscular dystrophy type 2Q (LGMDR17). Also called: MUSCULAR DYSTROPHY, LIMB-GIRDLE, AUTOSOMAL RECESSIVE 17. Identifiers: Orphanet 254361, MedGen C3150989, MONDO:0013390, OMIM 613723.
Epidermolysis bullosa simplex, Ogna type (EBS5A). Also called: Pidermolysis bullosa simplex 5A, Ogna type; EPIDERMOLYSIS BULLOSA SIMPLEX 5A, OGNA TYPE. Identifiers: Orphanet 79401, MedGen C0432317, MONDO:0007555, OMIM 131950.

Submission:

Labcorp Genetics (formerly Invitae), Labcorp
Classification: Uncertain significance for Autosomal recessive limb-girdle muscular dystrophy type 2Q; Epidermolysis bullosa simplex, Ogna type; Epidermolysis bullosa simplex with nail dystrophy; Epidermolysis bullosa simplex 5C, with pyloric atresia; Epidermolysis bullosa simplex 5B, with muscular dystrophy. Last evaluated: 2023-07-19. Review status: criteria provided, single submitter. Criteria: Invitae Variant Classification Sherloc (09022015). Collection method: clinical testing. Allele origin: germline.
Comment: This sequence change replaces serine, which is neutral and polar, with isoleucine, which is neutral and non-polar, at codon 1106 of the PLEC protein (p.Ser1106Ile). This variant is present in population databases (no rsID available, gnomAD 0.003%). In summary, the available evidence is currently insufficient to determine the role of this variant in disease. Therefore, it has been classified as a Variant of Uncertain Significance. Experimental studies and prediction algorithms are not available or were not evaluated, and the functional significance of this variant is currently unknown. This variant has not been reported in the literature in individuals affected with PLEC-related conditions.